The following is an entry in ClinVar:

NM_001145809.2(MYH14):c.563-3C>G

Gene: MYH14 (myosin heavy chain 14; plus strand). Cytogenetic location: 19q13.33.
Variant type: single nucleotide variant.
Coding change: c.563-3C>G on transcript NM_001145809.2 (MANE Select); 3 bases into the intron before coding-DNA position 563, C replaced by G.
Molecular consequence: intron variant.
Genome position (GRCh38, 1-based): chr19:50,223,080, C>G. VCF-style: chr19-50223080-C-G. GRCh37 (hg19) VCF-style: chr19-50726337-C-G.
Other names: c.563-3C>G (NM_001077186.2, NM_024729.4).
Identifiers: ClinVar variation 505761 (VCV000505761.4), dbSNP rs1555755418, ClinGen allele CA658799264.

ClinVar aggregate classification (germline): Uncertain significance (1 of 4 stars; one submission).

Submission:

Laboratory for Molecular Medicine, Mass General Brigham Personalized Medicine
Classification: Uncertain significance. Last evaluated: 2017-06-22. Review status: criteria provided, single submitter. Criteria: LMM Criteria. Collection method: clinical testing. Allele origin: germline. Observed: 1 variant allele.
Comment: Variant classified as Uncertain Significance - Favor Pathogenic. The c.563-3C>G variant in MYH14 has not been previously reported in individuals with hearing lo ss and was absent from large population studies. This variant is located in the 3' splice region. This cytosine (C) nucleotide at this position is well conserve d across species and computational tools suggest an impact to splicing; however, this information is not predictive enough to determine pathogenicity. In summar y, while there is some suspicion for a pathogenic role, the clinical significanc e of this variant is uncertain.